The following is an entry in ClinVar:

NM_001851.6(COL9A1):c.1138C>T (p.Pro380Ser)

Gene: COL9A1 (collagen type IX alpha 1 chain; minus strand). Cytogenetic location: 6q13.
Variant type: single nucleotide variant.
Coding change: c.1138C>T on transcript NM_001851.6 (MANE Select); coding-DNA position 1138, C replaced by T.
Protein change: p.Pro380Ser; replaces proline 380 with serine.
Molecular consequence: missense variant. On other transcripts: non-coding transcript variant (1).
Genome position (GRCh38, 1-based): chr6:70,271,660, G>A on the plus strand (C>T on the coding strand, the complement: COL9A1 is on the minus strand). VCF-style: chr6-70271660-G-A. GRCh37 (hg19) VCF-style: chr6-70981363-G-A.
Other names: c.409C>T, p.Pro137Ser (NM_001377289.1, NM_001377290.1, NM_078485.4); short protein forms P137S, P380S.
Identifiers: ClinVar variation 1018367 (VCV001018367.9), dbSNP rs368495915, ClinGen allele CA3882397.

ClinVar aggregate classification (germline): Uncertain significance. Review status: criteria provided, multiple submitters, no conflicts (2 of 4 stars). 4 submissions from 4 submitters: Uncertain significance (4). Last evaluated 2024-11-14.

Conditions:
Inborn genetic diseases. Identifiers: MedGen C0950123, MeSH D030342.

Allele frequency attached by ClinVar (database versions not stated): gnomAD exomes 0.00003 and 0.00006; ExAC 0.00003; ESP Exome Variant Server 0.00008; TOPMed 0.00013.

Submissions (4):

Labcorp Genetics (formerly Invitae), Labcorp
Classification: Uncertain significance. Last evaluated: 2024-11-14. Review status: criteria provided, single submitter. Criteria: Invitae Variant Classification Sherloc (09022015). Collection method: clinical testing. Allele origin: germline.
Comment: This sequence change replaces proline, which is neutral and non-polar, with serine, which is neutral and polar, at codon 380 of the COL9A1 protein (p.Pro380Ser). This variant is present in population databases (rs368495915, gnomAD 0.02%). This variant has not been reported in the literature in individuals affected with COL9A1-related conditions. ClinVar contains an entry for this variant (Variation ID: 1018367). Invitae Evidence Modeling of protein sequence and biophysical properties (such as structural, functional, and spatial information, amino acid conservation, physicochemical variation, residue mobility, and thermodynamic stability) indicates that this missense variant is not expected to disrupt COL9A1 protein function with a negative predictive value of 95%. In summary, the available evidence is currently insufficient to determine the role of this variant in disease. Therefore, it has been classified as a Variant of Uncertain Significance.

Ambry Genetics
Classification: Uncertain significance for Inborn genetic diseases. Last evaluated: 2024-10-29. Review status: criteria provided, single submitter. Criteria: Ambry Variant Classification Scheme 2023. Collection method: clinical testing. Allele origin: germline.

Blueprint Genetics
Classification: Uncertain significance. Last evaluated: 2024-03-19. Review status: criteria provided, single submitter. Criteria: ACMG Guidelines, 2015. Collection method: clinical testing. Allele origin: germline.

GeneDx
Classification: Uncertain significance. Last evaluated: 2021-04-06. Review status: criteria provided, single submitter. Criteria: GeneDx Variant Classification Process June 2021. Collection method: clinical testing. Allele origin: germline. Affected: yes.
Comment: Has not been previously published as pathogenic or benign to our knowledge; In silico analysis supports that this missense variant has a deleterious effect on protein structure/function; Reported in ClinVar but additional evidence is not available (ClinVar Variant ID #1018367; Landrum et al., 2016)